The following is an entry in ClinVar:

ClinVar aggregate classification (germline): Benign. Review status: criteria provided, multiple submitters, no conflicts (2 of 4 stars). 2 submissions from 2 submitters: Benign (2). Last evaluated 2018-01-13.

Conditions:
Cone-rod dystrophy 5 (CORD5). Identifiers: Orphanet 1872, MedGen C1832976, MONDO:0010969, OMIM 600977.

Allele frequency attached by ClinVar (database versions not stated): 1000 Genomes Project 0.34625; 1000 Genomes Project 30x 0.34666; gnomAD 0.41815 and 0.41874; TOPMed 0.42010; gnomAD exomes 0.49667.
gnomAD v4.1: 63,790 of 152,348 alleles (42%); highest among the groups gnomAD compares: Middle Eastern, 66%; 14,415 homozygotes.

Submissions (2):

Illumina Laboratory Services, Illumina
Classification: Benign for Cone-rod dystrophy 5. Last evaluated: 2018-01-13. Review status: criteria provided, single submitter. Criteria: ICSL Variant Classification Criteria 13 December 2019. Collection method: clinical testing. Allele origin: germline.
Comment: This variant was observed in the ICSL laboratory as part of a predisposition screen in an ostensibly healthy population. It had not been previously curated by ICSL or reported in the Human Gene Mutation Database (HGMD: prior to June 1st, 2018), and was therefore a candidate for classification through an automated scoring system. Utilizing variant allele frequency, disease prevalence and penetrance estimates, and inheritance mode, an automated score was calculated to assess if this variant is too frequent to cause the disease. Based on the score and internal cut-off values, a variant classified as benign is not then subjected to further curation. The score for this variant resulted in a classification of benign for this disease.

Breakthrough Genomics
Classification: Benign. Review status: criteria provided, single submitter. Criteria: ACMG Guidelines, 2015. Collection method: not provided. Allele origin: germline. Inheritance: Autosomal dominant inheritance. Affected: yes.

NM_031220.4(PITPNM3):c.*1840C>T

Gene: PITPNM3 (PITPNM family member 3; minus strand). Cytogenetic location: 17p13.2.
Variant type: single nucleotide variant.
Coding change: c.*1840C>T on transcript NM_031220.4 (MANE Select); 1840 bases downstream of the stop codon, C replaced by T.
Molecular consequence: 3 prime UTR variant.
Genome position (GRCh38, 1-based): chr17:6,453,498, G>A on the plus strand (C>T on the coding strand, the complement: PITPNM3 is on the minus strand). VCF-style: chr17-6453498-G-A. GRCh37 (hg19) VCF-style: chr17-6356818-G-A.
Other names: c.*1840C>T (NM_001165966.2).
Identifiers: ClinVar variation 324718 (VCV000324718.6), dbSNP rs4796330, ClinGen allele CA10650710.